The following is an entry in ClinVar:

ClinVar aggregate classification (germline): Likely benign. Review status: criteria provided, single submitter (1 of 4 stars). 2 submissions from 2 submitters: Likely benign (1). 1 of the submissions does not count toward it. Last evaluated 2018-03-29.

Conditions:
UBR4-related disorder. Also called: UBR4-related condition.

Allele frequency attached by ClinVar (database versions not stated): gnomAD exomes 0.00013 and 0.00034; ExAC 0.00046; 1000 Genomes Project 30x 0.00125; gnomAD 0.00153 and 0.00163; 1000 Genomes Project 0.00160; TOPMed 0.00165; ESP Exome Variant Server 0.00177.
gnomAD v4.1: 436 of 1,614,124 alleles (0.027%); highest among the groups gnomAD compares: African/African-American, 0.52%; no homozygotes.

Submissions (2):

Labcorp Genetics (formerly Invitae), Labcorp
Classification: Likely benign. Last evaluated: 2018-03-29. Review status: criteria provided, single submitter. Criteria: Invitae Variant Classification Sherloc (09022015). Collection method: clinical testing. Allele origin: germline.

PreventionGenetics, part of Exact Sciences
Classification: Likely benign for UBR4-related condition. Last evaluated: 2021-01-20. Review status: no assertion criteria provided. Collection method: clinical testing. Allele origin: germline. Not counted in ClinVar's aggregate classification.
Comment: This variant is classified as likely benign based on ACMG/AMP sequence variant interpretation guidelines (Richards et al. 2015 PMID: 25741868, with internal and published modifications).

NM_020765.3(UBR4):c.508+4G>A

Gene: UBR4 (ubiquitin protein ligase E3 component n-recognin 4; minus strand). Cytogenetic location: 1p36.13.
Variant type: single nucleotide variant.
Coding change: c.508+4G>A on transcript NM_020765.3 (MANE Select); 4 bases into the intron after coding-DNA position 508, G replaced by A.
Molecular consequence: intron variant.
Genome position (GRCh38, 1-based): chr1:19,198,795, C>T on the plus strand (G>A on the coding strand, the complement: UBR4 is on the minus strand). VCF-style: chr1-19198795-C-T. GRCh37 (hg19) VCF-style: chr1-19525289-C-T.
Identifiers: ClinVar variation 709545 (VCV000709545.5), dbSNP rs185988280, ClinGen allele CA651965.